The following is an entry in ClinVar:

ClinVar aggregate classification (germline): Benign/Likely benign. Review status: criteria provided, multiple submitters, no conflicts (2 of 4 stars). 2 submissions from 2 submitters: Benign (1); Likely benign (1). Last evaluated 2026-07-01.

Allele frequency attached by ClinVar (database versions not stated): gnomAD 0.00022; ExAC 0.00030; 1000 Genomes Project 30x 0.00031; TOPMed 0.00031; 1000 Genomes Project 0.00040.

Submissions (2):

CeGaT Center for Human Genetics Tuebingen
Classification: Likely benign. Last evaluated: 2026-07-01. Review status: criteria provided, single submitter. Criteria: CeGaT Center For Human Genetics Tuebingen Variant Classification Criteria Version 2. Collection method: clinical testing. Allele origin: germline. Affected: yes. Observed: 1 variant allele.
Comment: KRT5: BP4, BP7

Labcorp Genetics (formerly Invitae), Labcorp
Classification: Benign. Last evaluated: 2022-09-23. Review status: criteria provided, single submitter. Criteria: Invitae Variant Classification Sherloc (09022015). Collection method: clinical testing. Allele origin: germline.

NM_000424.4(KRT5):c.1620C>T (p.Val540=)

Gene: KRT5 (keratin 5; minus strand). Cytogenetic location: 12q13.13.
Variant type: single nucleotide variant.
Coding change: c.1620C>T on transcript NM_000424.4 (MANE Select); coding-DNA position 1620, C replaced by T.
Protein change: p.Val540=; no amino-acid change (valine 540 retained).
Molecular consequence: synonymous variant.
Genome position (GRCh38, 1-based): chr12:52,515,095, G>A on the plus strand (C>T on the coding strand, the complement: KRT5 is on the minus strand). VCF-style: chr12-52515095-G-A. GRCh37 (hg19) VCF-style: chr12-52908879-G-A.
Identifiers: ClinVar variation 2148787 (VCV002148787.5), dbSNP rs202197926, ClinGen allele CA6582438.